The following is an entry in ClinVar:

NM_203447.4(DOCK8):c.22G>A (p.Glu8Lys)

Genes: DOCK8-AS1 (DOCK8 antisense RNA 1; minus strand), DOCK8 (dedicator of cytokinesis 8; plus strand), LOC130001437 (ATAC-STARR-seq lymphoblastoid silent region 19722; plus strand). Cytogenetic location: 9p24.3.
Variant type: single nucleotide variant.
Coding change: c.22G>A on transcript NM_203447.4 (MANE Select); coding-DNA position 22, G replaced by A.
Protein change: p.Glu8Lys; replaces glutamic acid 8 with lysine.
Molecular consequence: missense variant. On other transcripts: non-coding transcript variant (1).
Genome position (GRCh38, 1-based): chr9:214,998, G>A. VCF-style: chr9-214998-G-A. GRCh37 (hg19) VCF-style: chr9-214998-G-A.
Other names: short protein forms E8K.
Identifiers: ClinVar variation 1014680 (VCV001014680.13), dbSNP rs1188948475, ClinGen allele CA372755608.
Genomic context (GRCh38, chr9:214,998, plus strand): 5'-ACCCCGCGACCCTAGAAGCCACCGAACCGCCGGCGGGCCATGGCCACTCTGCCGAGCGCA[G>A]AGCGCCGCGCGTTCGCGCTCAAGATCAACAGGTAAGACGCCCCCCGCGGCGCGCAGGTTG-3'
Protein context (NP_982272.2, residues 1-18): MATLPSA[Glu8Lys]RRAFALKINR

ClinVar aggregate classification (germline): Uncertain significance (1 of 4 stars; one submission).

Conditions:
Combined immunodeficiency due to DOCK8 deficiency (HIES2). Also called: Hyper-IgE recurrent infection syndrome, autosomal recessive; DOCK8 Deficiency; HIES autosomal recessive; HYPER-IgE RECURRENT INFECTION SYNDROME 2, AUTOSOMAL RECESSIVE; HYPER-IgE SYNDROME 2, AUTOSOMAL RECESSIVE, WITH RECURRENT INFECTIONS. Identifiers: Orphanet 217390, MedGen C4722305, MONDO:0009478, OMIM 243700.

Allele frequency attached by ClinVar (database versions not stated): gnomAD exomes below 0.00001.

Submission:

Labcorp Genetics (formerly Invitae), Labcorp
Classification: Uncertain significance for Combined immunodeficiency due to DOCK8 deficiency. Last evaluated: 2023-03-16. Review status: criteria provided, single submitter. Criteria: Invitae Variant Classification Sherloc (09022015). Collection method: clinical testing. Allele origin: germline.
Comment: This sequence change replaces glutamic acid, which is acidic and polar, with lysine, which is basic and polar, at codon 8 of the DOCK8 protein (p.Glu8Lys). This variant is present in population databases (no rsID available, gnomAD 0.004%). This variant has not been reported in the literature in individuals affected with DOCK8-related conditions. ClinVar contains an entry for this variant (Variation ID: 1014680). An algorithm developed to predict the effect of missense changes on protein structure and function (PolyPhen-2) suggests that this variant is likely to be tolerated. In summary, the available evidence is currently insufficient to determine the role of this variant in disease. Therefore, it has been classified as a Variant of Uncertain Significance.